The following is an entry in ClinVar:

NM_054012.4(ASS1):c.-5-1883C>T

Gene: ASS1 (argininosuccinate synthase 1; plus strand). Cytogenetic location: 9q34.11.
Variant type: single nucleotide variant.
Coding change: c.-5-1883C>T on transcript NM_054012.4 (MANE Select); 1883 bases into the intron before 5 bases upstream of the start codon, C replaced by T.
Molecular consequence: intron variant.
Genome position (GRCh38, 1-based): chr9:130,450,341, C>T. VCF-style: chr9-130450341-C-T. GRCh37 (hg19) VCF-style: chr9-133325728-C-T.
Other names: c.-6+8C>T (NM_000050.4).
Identifiers: ClinVar variation 381450 (VCV000381450.2), dbSNP rs12004384, ClinGen allele CA16606290.
Genomic context (GRCh38, chr9:130,450,341, plus strand): 5'-CTGCACTGTGAAAACAGATTCCAGACGCCGGGAACTCACGCCTCCAATCCCAGGTACTGC[C>T]CACCTTAAGTCCTCCCTGCCTGCCTTCCTCCCTCCTTCCCTCCATCCTGCATGGCCAATT-3'

ClinVar aggregate classification (germline): Benign. Review status: criteria provided, single submitter (1 of 4 stars). 2 submissions from 2 submitters: Benign (1). 1 of the submissions does not count toward it. Last evaluated 2015-12-10.

Conditions:
Citrullinemia type I (CTNL1). Also called: argininosuccinate synthetase deficiency; ASS DEFICIENCY. Identifiers: Orphanet 247525, MedGen C4721769, MONDO:0008988, OMIM 215700.

Allele frequency attached by ClinVar (database versions not stated): gnomAD 0.01019 and 0.01076; TOPMed 0.01141; 1000 Genomes Project 0.01458; 1000 Genomes Project 30x 0.01608.
gnomAD v4.1: 2,483 of 987,336 alleles (0.25%); highest among the groups gnomAD compares: African/African-American, 3.5%; 38 homozygotes.

Submissions (2):

GeneDx
Classification: Benign. Last evaluated: 2015-12-10. Review status: criteria provided, single submitter. Criteria: GeneDx Variant Classification (06012015). Collection method: clinical testing. Allele origin: germline. Affected: yes.
Comment: This variant is considered likely benign or benign based on one or more of the following criteria: it is a conservative change, it occurs at a poorly conserved position in the protein, it is predicted to be benign by multiple in silico algorithms, and/or has population frequency not consistent with disease.

Natera, Inc.
Classification: Likely benign for Citrullinemia type I. Last evaluated: 2018-04-09. Review status: no assertion criteria provided. Collection method: clinical testing. Allele origin: germline. Not counted in ClinVar's aggregate classification.